The following is an entry in ClinVar:

NM_001267550.2(TTN):c.1267A>C (p.Ser423Arg)

Gene: TTN (titin; minus strand). Cytogenetic location: 2q31.2.
Variant type: single nucleotide variant.
Coding change: c.1267A>C on transcript NM_001267550.2 (MANE Select); coding-DNA position 1267, A replaced by C.
Protein change: p.Ser423Arg; replaces serine 423 with arginine.
Molecular consequence: missense variant.
Genome position (GRCh38, 1-based): chr2:178,794,530, T>G on the plus strand (A>C on the coding strand, the complement: TTN is on the minus strand). VCF-style: chr2-178794530-T-G. GRCh37 (hg19) VCF-style: chr2-179659257-T-G.
Other names: c.1267A>C, p.Ser423Arg (NM_001256850.1, NM_003319.4, NM_133378.4 and 3 more transcripts); short protein forms S423R.
Identifiers: ClinVar variation 3390781 (VCV003390781.3), dbSNP rs775604156.

ClinVar aggregate classification (germline): Conflicting classifications of pathogenicity. Review status: criteria provided, conflicting classifications (1 of 4 stars). 2 submissions from 2 submitters: Uncertain significance (1); Likely benign (1). Last evaluated 2026-10-12.

gnomAD v4.1: 7 of 1,614,228 alleles (0.00043%); highest among the groups gnomAD compares: Non-Finnish European, 0.00042%; no homozygotes.

Submissions (2):

GeneDx
Classification: Uncertain significance. Last evaluated: 2026-10-12. Review status: criteria provided, single submitter. Criteria: GeneDx Variant Classification Process June 2021. Collection method: clinical testing. Allele origin: germline.
Comment: Not observed at significant frequency in large population cohorts (gnomAD); Missense variant in a gene in which most reported pathogenic variants are truncating/loss of function; Has not been previously published as pathogenic or benign to our knowledge

Molecular Diagnostic Laboratory for Inherited Cardiovascular Disease, Montreal Heart Institute
Classification: Likely benign. Last evaluated: 2025-04-09. Review status: criteria provided, single submitter. Criteria: ACMG Guidelines, 2015. Collection method: clinical testing. Allele origin: germline. Affected: no.